The following is an entry in ClinVar:

ClinVar aggregate classification (germline): Pathogenic (1 of 4 stars; one submission).

Allele frequency attached by ClinVar (database versions not stated): gnomAD exomes below 0.00001.
gnomAD v4.1: 1 of 1,614,006 alleles (0.000062%); highest among the groups gnomAD compares: African/African-American, 0.0013%; no homozygotes.

Submission:

Labcorp Genetics (formerly Invitae), Labcorp
Classification: Pathogenic. Last evaluated: 2024-02-08. Review status: criteria provided, single submitter. Criteria: Invitae Variant Classification Sherloc (09022015). Collection method: clinical testing. Allele origin: germline.
Comment: This sequence change creates a premature translational stop signal (p.Glu760*) in the VLDLR gene. It is expected to result in an absent or disrupted protein product. Loss-of-function variants in VLDLR are known to be pathogenic (PMID: 18043714, 18326629, 22532556). This variant is not present in population databases (gnomAD no frequency). This variant has not been reported in the literature in individuals affected with VLDLR-related conditions. Algorithms developed to predict the effect of sequence changes on RNA splicing suggest that this variant may disrupt the consensus splice site. For these reasons, this variant has been classified as Pathogenic.

Literature cited by the submitters: PubMed 18043714; PubMed 18326629; PubMed 22532556.

NM_003383.5(VLDLR):c.2278G>T (p.Glu760Ter)

Gene: VLDLR (very low density lipoprotein receptor; plus strand). Cytogenetic location: 9p24.2.
Variant type: single nucleotide variant.
Coding change: c.2278G>T on transcript NM_003383.5 (MANE Select); coding-DNA position 2278, G replaced by T.
Protein change: p.Glu760Ter; replaces glutamic acid 760 with a stop codon.
Molecular consequence: nonsense. On other transcripts: intron variant (2).
Genome position (GRCh38, 1-based): chr9:2,651,441, G>T. VCF-style: chr9-2651441-G-T. GRCh37 (hg19) VCF-style: chr9-2651441-G-T.
Other names: c.2155G>T, p.Glu719Ter (NM_001322225.2); c.2252-433G>T (NM_001018056.3); c.2129-433G>T (NM_001322226.2); short protein forms E719*, E760*.
Identifiers: ClinVar variation 2827540 (VCV002827540.3), dbSNP rs2488744934, ClinGen allele CA372801666.